The following is an entry in ClinVar:

ClinVar aggregate classification (germline): Uncertain significance (1 of 4 stars; one submission).

Conditions:
Combined oxidative phosphorylation deficiency 35 (COXPD35). Identifiers: MedGen C4693466, MONDO:0054742, OMIM 617873.

Submission:

OLLIN Analises Genomicas, OLLIN
Classification: Uncertain significance for Combined oxidative phosphorylation deficiency 35. Last evaluated: 2026-08-06. Review status: criteria provided, single submitter. Criteria: ACMG Guidelines 2015 PMID 25741868. Collection method: clinical testing. Allele origin: germline. Inheritance: Autosomal recessive inheritance.
Comment: This missense variant, located in exon 7 (of 11), is absent from gnomAD and ClinVar and has not been identified in the literature. In silico analysis is inconclusive regarding the impact of this variant. According to the currently available evidence, this variant has been classified as uncertain significance (PM2_P).

NM_017646.6(TRIT1):c.872A>G (p.Tyr291Cys)

Gene: TRIT1 (tRNA isopentenyltransferase 1; minus strand). Cytogenetic location: 1p34.2.
Variant type: single nucleotide variant.
Coding change: c.872A>G on transcript NM_017646.6 (MANE Select); coding-DNA position 872, A replaced by G.
Protein change: p.Tyr291Cys; replaces tyrosine 291 with cysteine.
Molecular consequence: missense variant.
Genome position (GRCh38, 1-based): chr1:39,847,604, T>C on the plus strand (A>G on the coding strand, the complement: TRIT1 is on the minus strand). VCF-style: chr1-39847604-T-C. GRCh37 (hg19) VCF-style: chr1-40313276-T-C.
Other names: c.872A>G, p.Tyr291Cys (NM_001312691.2); c.626A>G, p.Tyr209Cys (NM_001312692.2); short protein forms Y291C, Y209C.
Identifiers: ClinVar variation 5002718 (VCV005002718.1).